The following is an entry in ClinVar:

NC_000013.11:g.(?_32326095)_(32363539_?)del

Gene: BRCA2 (BRCA2 DNA repair associated; plus strand). Cytogenetic location: 13q13.1.
Variant type: Deletion.
Identifiers: ClinVar variation 531591 (VCV000531591.1).

ClinVar aggregate classification (germline): Pathogenic (1 of 4 stars; one submission).

Conditions:
Hereditary breast ovarian cancer syndrome. Also called: Hereditary breast and ovarian cancer syndrome (HBOC); BRCA1- and BRCA2-Associated Hereditary Breast and Ovarian Cancer; Hereditary breast and ovarian cancer syndrome; Breast and ovarian cancer; Hereditary breast and ovarian cancer; Hereditary breast and/or ovarian cancer syndrome. Identifiers: Orphanet 145, MedGen C0677776, MeSH D061325, MONDO:0003582. Disease mechanism: loss of function.

Submission:

Labcorp Genetics (formerly Invitae), Labcorp
Classification: Pathogenic for Hereditary breast ovarian cancer syndrome. Last evaluated: 2018-01-11. Review status: criteria provided, single submitter. Criteria: Invitae Variant Classification Sherloc (09022015). Collection method: clinical testing. Allele origin: germline.
Comment: This variant is an out-of-frame deletion of the genomic region encompassing exons 5-18 of the BRCA2 gene. This is expected to create a premature translational stop signal and result in an absent or disrupted protein product. This variant has not been reported in the literature in individuals with BRCA2-related disease. Loss-of-function variants in BRCA2 are known to be pathogenic (PMID: 20104584). For these reasons, this variant has been classified as Pathogenic.